The following is an entry in ClinVar:

ClinVar aggregate classification (germline): Likely benign. Review status: criteria provided, multiple submitters, no conflicts (2 of 4 stars). 3 submissions from 3 submitters: Likely benign (2). 1 of the submissions does not count toward it. Last evaluated 2026-01-26.

Conditions:
TUB-related disorder. Also called: TUB-related condition.

Allele frequency attached by ClinVar (database versions not stated): ExAC 0.00110; ESP Exome Variant Server 0.00131; gnomAD exomes 0.00137; gnomAD 0.00173 and 0.00180; 1000 Genomes Project 0.00220; TOPMed 0.00228; 1000 Genomes Project 30x 0.00234.
gnomAD v4.1: 2,747 of 1,614,178 alleles (0.17%); highest among the groups gnomAD compares: Admixed American, 0.45%; 4 homozygotes.

Submissions (3):

Labcorp Genetics (formerly Invitae), Labcorp
Classification: Likely benign. Last evaluated: 2026-01-26. Review status: criteria provided, single submitter. Criteria: Invitae Variant Classification Sherloc (09022015). Collection method: clinical testing. Allele origin: germline.

Blueprint Genetics
Classification: Likely benign. Last evaluated: 2024-11-04. Review status: criteria provided, single submitter. Criteria: ACMG Guidelines, 2015. Collection method: clinical testing. Allele origin: germline.

PreventionGenetics, part of Exact Sciences
Classification: Likely benign for TUB-related condition. Last evaluated: 2021-05-24. Review status: no assertion criteria provided. Collection method: clinical testing. Allele origin: germline. Not counted in ClinVar's aggregate classification.
Comment: This variant is classified as likely benign based on ACMG/AMP sequence variant interpretation guidelines (Richards et al. 2015 PMID: 25741868, with internal and published modifications).

NM_177972.3(TUB):c.787A>G (p.Ile263Val)

Genes: RIC3 (RIC3 acetylcholine receptor chaperone; minus strand), TUB (TUB bipartite transcription factor; plus strand). Cytogenetic location: 11p15.4.
Variant type: single nucleotide variant.
Coding change: c.787A>G on transcript NM_177972.3 (MANE Select); coding-DNA position 787, A replaced by G.
Protein change: p.Ile263Val; replaces isoleucine 263 with valine.
Molecular consequence: missense variant.
Genome position (GRCh38, 1-based): chr11:8,097,327, A>G. VCF-style: chr11-8097327-A-G. GRCh37 (hg19) VCF-style: chr11-8118874-A-G.
Other names: c.952A>G, p.Ile318Val (NM_003320.5); short protein forms I263V, I318V.
Identifiers: ClinVar variation 781808 (VCV000781808.13), dbSNP rs143280502, ClinGen allele CA5871234.